The following is an entry in ClinVar:

NM_024422.6(DSC2):c.1978del (p.Ser660fs)

Gene: DSC2 (desmocollin 2; minus strand). Cytogenetic location: 18q12.1.
Variant type: Deletion.
Coding change: c.1978del on transcript NM_024422.6 (MANE Select); coding-DNA position 1978, one base deleted (A; older notation c.1978delA).
Protein change: p.Ser660fs; shifts the reading frame from serine 660.
Molecular consequence: frameshift variant.
Genome position (GRCh38, 1-based): chr18:31,071,752, T deleted on the plus strand (A on the coding strand, the reverse complement: DSC2 is on the minus strand). VCF-style (leftmost placement, unchanged base first): chr18-31071751-CT-C. GRCh37 (hg19) VCF-style: chr18-28651717-CT-C.
Other names: c.1978del, p.Ser660fs (NM_004949.5); short protein forms S660fs.
Identifiers: ClinVar variation 927803 (VCV000927803.3), dbSNP rs1986841708, ClinGen allele CA1139665995.

ClinVar aggregate classification (germline): Uncertain significance (1 of 4 stars; one submission).

Conditions:
Cardiomyopathy (CMYO). Also called: Cardiomyopathies. Identifiers: Orphanet 167848, MedGen C0878544, MONDO:0004994, HP:0001638. Inheritance: Various modes of inheritance.

Submission:

Color Diagnostics, LLC DBA Color Health
Classification: Uncertain significance for Cardiomyopathy. Last evaluated: 2020-01-08. Review status: criteria provided, single submitter. Criteria: ACMG Guidelines, 2015. Collection method: clinical testing. Allele origin: germline.
Comment: This variant deletes 1 nucleotide in exon 13 of the DSC2 gene, creating a frameshift and premature translation stop signal. This variant is expected to result in an absent or non-functional protein product. Splice site prediction tools suggest that this variant may not impact RNA splicing. To our knowledge, functional studies have not been performed for this variant. This variant has not been reported in individuals affected with cardiovascular disorders in the literature. This variant has not been identified in the general population by the Genome Aggregation Database (gnomAD). Clinical relevance of loss-of-function truncations and splice variants in the DSC2 gene is not clearly established. The available evidence is insufficient to determine the role of this variant in disease conclusively. Therefore, this variant is classified as a Variant of Uncertain Significance.